The following is an entry in ClinVar:

ClinVar aggregate classification (germline): Likely pathogenic (0 of 4 stars; one submission).

Conditions:
GANAB-related disorder. Also called: GANAB-related condition.

Submission:

PreventionGenetics, part of Exact Sciences
Classification: Likely pathogenic for GANAB-related condition. Last evaluated: 2024-02-22. Review status: no assertion criteria provided. Collection method: clinical testing. Allele origin: germline.
Comment: The GANAB c.1568G>A variant is predicted to result in premature protein termination (p.Trp523*). To our knowledge, this variant has not been reported in the literature or in a large population database, indicating this variant is rare. Nonsense variants in GANAB are expected to be pathogenic. This variant is interpreted as likely pathogenic.

NM_198334.3(GANAB):c.1502G>A (p.Trp501Ter)

Gene: GANAB (glucosidase II alpha subunit; minus strand). Cytogenetic location: 11q12.3.
Variant type: single nucleotide variant.
Coding change: c.1502G>A on transcript NM_198334.3 (MANE Select); coding-DNA position 1502, G replaced by A.
Protein change: p.Trp501Ter; replaces tryptophan 501 with a stop codon.
Molecular consequence: nonsense.
Genome position (GRCh38, 1-based): chr11:62,630,390, C>T on the plus strand (G>A on the coding strand, the complement: GANAB is on the minus strand). VCF-style: chr11-62630390-C-T. GRCh37 (hg19) VCF-style: chr11-62397862-C-T.
Other names: c.1226G>A, p.Trp409Ter (NM_001278192.2); c.1160G>A, p.Trp387Ter (NM_001278193.2); c.1211G>A, p.Trp404Ter (NM_001278194.2, NM_001329222.2, NM_001329223.2); c.779G>A, p.Trp260Ter (NM_001329224.2, NM_001329225.2); c.1568G>A, p.Trp523Ter (NM_198335.4); short protein forms W260*, W387*, W404*, W409*, W501*, W523*.
Identifiers: ClinVar variation 3057233 (VCV003057233.2), dbSNP rs2496332587, ClinGen allele CA380992583.